The following is an entry in ClinVar:

NM_001372.4(DNAH9):c.5155G>A (p.Ala1719Thr)

Gene: DNAH9 (dynein axonemal heavy chain 9; plus strand). Cytogenetic location: 17p12.
Variant type: single nucleotide variant.
Coding change: c.5155G>A on transcript NM_001372.4 (MANE Select); coding-DNA position 5155, G replaced by A.
Protein change: p.Ala1719Thr; replaces alanine 1719 with threonine.
Molecular consequence: missense variant.
Genome position (GRCh38, 1-based): chr17:11,704,206, G>A. VCF-style: chr17-11704206-G-A. GRCh37 (hg19) VCF-style: chr17-11607523-G-A.
Other names: short protein forms A1719T.
Identifiers: ClinVar variation 2070171 (VCV002070171.5), dbSNP rs147212591, ClinGen allele CA8395940.
Genomic context (GRCh38, chr17:11,704,206, plus strand): 5'-GGGTTGGTTGGAAACAGCCATGATAACAGCTTTACTAGGCAACTCTTGCTGCCACAGGTG[G>A]CCCTGACCTGTACTCAGATCTGGTGGACAACAGAAGTGGGCATGGCATTTGCCAGGCTGG-3'
Protein context (NP_001363.2, residues 1709-1729): QWLFDHPAQV[Ala1719Thr]LTCTQIWWTT

ClinVar aggregate classification (germline): Uncertain significance. Review status: criteria provided, multiple submitters, no conflicts (2 of 4 stars). 2 submissions from 2 submitters: Uncertain significance (2). Last evaluated 2022-11-18.

Conditions:
Inborn genetic diseases. Identifiers: MedGen C0950123, MeSH D030342.

Allele frequency attached by ClinVar (database versions not stated): gnomAD 0.00001; ESP Exome Variant Server 0.00015; gnomAD exomes below 0.00001; ExAC 0.00001; TOPMed 0.00002.
gnomAD v4.1: 2 of 1,613,970 alleles (0.00012%); highest among the groups gnomAD compares: African/African-American, 0.0027%; no homozygotes.

Submissions (2):

Ambry Genetics
Classification: Uncertain significance for Inborn genetic diseases. Last evaluated: 2022-11-18. Review status: criteria provided, single submitter. Criteria: Ambry Variant Classification Scheme 2023. Collection method: clinical testing. Allele origin: germline.

Labcorp Genetics (formerly Invitae), Labcorp
Classification: Uncertain significance. Last evaluated: 2022-01-22. Review status: criteria provided, single submitter. Criteria: Invitae Variant Classification Sherloc (09022015). Collection method: clinical testing. Allele origin: germline.
Comment: In summary, the available evidence is currently insufficient to determine the role of this variant in disease. Therefore, it has been classified as a Variant of Uncertain Significance. Algorithms developed to predict the effect of sequence changes on RNA splicing suggest that this variant may create or strengthen a splice site. Algorithms developed to predict the effect of missense changes on protein structure and function (SIFT, PolyPhen-2, Align-GVGD) all suggest that this variant is likely to be tolerated. This variant has not been reported in the literature in individuals affected with DNAH9-related conditions. This variant is present in population databases (rs147212591, gnomAD 0.01%). This sequence change replaces alanine, which is neutral and non-polar, with threonine, which is neutral and polar, at codon 1719 of the DNAH9 protein (p.Ala1719Thr).